The following is an entry in ClinVar:

ClinVar aggregate classification (germline): Uncertain significance. Review status: criteria provided, multiple submitters, no conflicts (2 of 4 stars). 2 submissions from 2 submitters: Uncertain significance (2). Last evaluated 2025-02-25.

Conditions:
Inborn genetic diseases. Identifiers: MedGen C0950123, MeSH D030342.

Allele frequency attached by ClinVar (database versions not stated): TOPMed below 0.00001; gnomAD 0.00001; ExAC 0.00003; 1000 Genomes Project 30x 0.00016; 1000 Genomes Project 0.00020.
gnomAD v4.1: 31 of 1,613,778 alleles (0.0019%); highest among the groups gnomAD compares: Middle Eastern, 0.016%; no homozygotes.

Submissions (2):

Ambry Genetics
Classification: Uncertain significance for Inborn genetic diseases. Last evaluated: 2025-02-25. Review status: criteria provided, single submitter. Criteria: Ambry Variant Classification Scheme 2023. Collection method: clinical testing. Allele origin: germline.

Labcorp Genetics (formerly Invitae), Labcorp
Classification: Uncertain significance. Last evaluated: 2022-01-16. Review status: criteria provided, single submitter. Criteria: Invitae Variant Classification Sherloc (09022015). Collection method: clinical testing. Allele origin: germline.
Comment: This sequence change replaces arginine, which is basic and polar, with glutamine, which is neutral and polar, at codon 806 of the ADAMTSL4 protein (p.Arg806Gln). This variant is present in population databases (rs587625880, gnomAD 0.02%). This variant has not been reported in the literature in individuals affected with ADAMTSL4-related conditions. Algorithms developed to predict the effect of missense changes on protein structure and function (SIFT, PolyPhen-2, Align-GVGD) all suggest that this variant is likely to be disruptive. In summary, the available evidence is currently insufficient to determine the role of this variant in disease. Therefore, it has been classified as a Variant of Uncertain Significance.

NM_019032.6(ADAMTSL4):c.2417G>A (p.Arg806Gln)

Gene: ADAMTSL4 (ADAMTS like 4; plus strand). Cytogenetic location: 1q21.2.
Variant type: single nucleotide variant.
Coding change: c.2417G>A on transcript NM_019032.6 (MANE Select); coding-DNA position 2417, G replaced by A.
Protein change: p.Arg806Gln; replaces arginine 806 with glutamine.
Molecular consequence: missense variant.
Genome position (GRCh38, 1-based): chr1:150,558,507, G>A. VCF-style: chr1-150558507-G-A. GRCh37 (hg19) VCF-style: chr1-150530983-G-A.
Other names: c.2300G>A, p.Arg767Gln (NM_001288607.2); c.2486G>A, p.Arg829Gln (NM_001288608.2); c.2417G>A, p.Arg806Gln (NM_001378596.1, NM_025008.5); c.2417G>A (NM_019032.4); short protein forms R806Q, R767Q, R829Q.
Identifiers: ClinVar variation 1963576 (VCV001963576.3), dbSNP rs587625880, ClinGen allele CA1078672.